The following is an entry in ClinVar:

NM_015631.6(TCTN3):c.1070A>G (p.Gln357Arg)

Gene: TCTN3 (tectonic family member 3; minus strand). Cytogenetic location: 10q24.1.
Variant type: single nucleotide variant.
Coding change: c.1070A>G on transcript NM_015631.6 (MANE Select); coding-DNA position 1070, A replaced by G.
Protein change: p.Gln357Arg; replaces glutamine 357 with arginine.
Molecular consequence: missense variant. On other transcripts: intron variant (1).
Genome position (GRCh38, 1-based): chr10:95,684,524, T>C on the plus strand (A>G on the coding strand, the complement: TCTN3 is on the minus strand). VCF-style: chr10-95684524-T-C. GRCh37 (hg19) VCF-style: chr10-97444281-T-C.
Other names: c.652-895A>G (NM_001143973.2); short protein forms Q357R.
Identifiers: ClinVar variation 1208077 (VCV001208077.11), dbSNP rs151123934, ClinGen allele CA5620972.

ClinVar aggregate classification (germline): Uncertain significance. Review status: criteria provided, multiple submitters, no conflicts (2 of 4 stars). 3 submissions from 3 submitters: Uncertain significance (3). Last evaluated 2025-10-02.

Conditions:
Orofacial-digital syndrome IV (OFD4). Also called: BARAITSER-BURN SYNDROME; OFD SYNDROME WITH TIBIAL DEFECTS; OFD SYNDROME, BARAITSER-BURN TYPE; OFDS IV; ORAL-FACIAL-DIGITAL SYNDROME, TYPE IV; Orofaciodigital syndrome IV. Identifiers: Orphanet 2753, MedGen C0406727, MONDO:0009794, OMIM 258860.
Joubert syndrome 18 (JBTS18). Identifiers: Orphanet 2754, MedGen C3553758, MONDO:0013896, OMIM 614815.

Allele frequency attached by ClinVar (database versions not stated): gnomAD 0.00006 and 0.00007; gnomAD exomes 0.00006; ExAC 0.00009; TOPMed 0.00010; 1000 Genomes Project 30x 0.00016; 1000 Genomes Project 0.00020; ESP Exome Variant Server 0.00023.

Submissions (3):

Labcorp Genetics (formerly Invitae), Labcorp
Classification: Uncertain significance for Joubert syndrome 18; Orofacial-digital syndrome IV. Last evaluated: 2025-10-02. Review status: criteria provided, single submitter. Criteria: Invitae Variant Classification Sherloc (09022015). Collection method: clinical testing. Allele origin: germline.
Comment: This sequence change replaces glutamine, which is neutral and polar, with arginine, which is basic and polar, at codon 357 of the TCTN3 protein (p.Gln357Arg). This variant is present in population databases (rs151123934, gnomAD 0.01%). This variant has not been reported in the literature in individuals affected with TCTN3-related conditions. ClinVar contains an entry for this variant (Variation ID: 1208077). Invitae Evidence Modeling of protein sequence and biophysical properties (such as structural, functional, and spatial information, amino acid conservation, physicochemical variation, residue mobility, and thermodynamic stability) indicates that this missense variant is not expected to disrupt TCTN3 protein function with a negative predictive value of 80%. In summary, the available evidence is currently insufficient to determine the role of this variant in disease. Therefore, it has been classified as a Variant of Uncertain Significance.

Blueprint Genetics
Classification: Uncertain significance. Last evaluated: 2023-12-27. Review status: criteria provided, single submitter. Criteria: ACMG Guidelines, 2015. Collection method: clinical testing. Allele origin: germline.

GeneDx
Classification: Uncertain significance. Last evaluated: 2019-12-09. Review status: criteria provided, single submitter. Criteria: GeneDx Variant Classification Process June 2021. Collection method: clinical testing. Allele origin: germline. Affected: yes.
Comment: Reported heterozygous in a patient with a clinical diagnosis of Joubert syndrome who also was heterozygous for a truncating variant in the KIAA0586 gene (Bachmann-Gagescu et al., 2015); In silico analysis, which includes protein predictors and evolutionary conservation, supports a deleterious effect; Not observed at a significant frequency in large population cohorts (Lek et al., 2016); This variant is associated with the following publications: (PMID: 26096313)